The following is an entry in ClinVar:

NM_033056.4(PCDH15):c.5623C>A (p.Pro1875Thr)

Gene: PCDH15 (protocadherin related 15; minus strand). Cytogenetic location: 10q21.1.
Variant type: single nucleotide variant.
Coding change: c.5623C>A on transcript NM_033056.4 (MANE Plus Clinical); coding-DNA position 5623, C replaced by A.
Protein change: p.Pro1875Thr; replaces proline 1875 with threonine.
Molecular consequence: missense variant. On other transcripts: intron variant (8).
Genome position (GRCh38, 1-based): chr10:53,822,103, G>T on the plus strand (C>A on the coding strand, the complement: PCDH15 is on the minus strand). VCF-style: chr10-53822103-G-T. GRCh37 (hg19) VCF-style: chr10-55581863-G-T.
Other names: c.5557C>A, p.Pro1853Thr (NM_001354404.2); c.4367+5290C>A (NM_001354420.2); c.4368-4090C>A (NM_001354429.2); c.4368-1873C>A (NM_001384140.1); c.4373+3033C>A (NM_001142772.2, NM_001142770.3); c.4388+3033C>A (NM_001142771.2); c.4388+5290C>A (NM_001354411.2); c.4409+3033C>A (NM_001142769.3); and 7 more; short protein forms P1835T, P1855T, P1875T, P1872T, P1882T, P1806T, P1853T, P1877T.
Identifiers: ClinVar variation 1382937 (VCV001382937.6), dbSNP rs758308006, ClinGen allele CA5504993.

ClinVar aggregate classification (germline): Uncertain significance. Review status: criteria provided, multiple submitters, no conflicts (2 of 4 stars). 2 submissions from 2 submitters: Uncertain significance (2). Last evaluated 2025-08-17.

Allele frequency attached by ClinVar (database versions not stated): gnomAD 0.00001; gnomAD exomes 0.00002; TOPMed 0.00002; ExAC 0.00003.
gnomAD v4.1: 7 of 1,613,680 alleles (0.00043%); highest among the groups gnomAD compares: Admixed American, 0.012%; no homozygotes.

Submissions (2):

GeneDx
Classification: Uncertain significance. Last evaluated: 2025-08-17. Review status: criteria provided, single submitter. Criteria: GeneDx Variant Classification Process June 2021. Collection method: clinical testing. Allele origin: germline.
Comment: In silico analysis suggests that this missense variant does not alter protein structure/function; Has not been previously published as pathogenic or benign to our knowledge

Labcorp Genetics (formerly Invitae), Labcorp
Classification: Uncertain significance. Last evaluated: 2023-12-01. Review status: criteria provided, single submitter. Criteria: Invitae Variant Classification Sherloc (09022015). Collection method: clinical testing. Allele origin: germline.
Comment: This sequence change replaces proline, which is neutral and non-polar, with threonine, which is neutral and polar, at codon 1875 of the PCDH15 protein (p.Pro1875Thr). This variant is present in population databases (rs758308006, gnomAD 0.02%). This variant has not been reported in the literature in individuals affected with PCDH15-related conditions. ClinVar contains an entry for this variant (Variation ID: 1382937). Experimental studies and prediction algorithms are not available or were not evaluated, and the functional significance of this variant is currently unknown. In summary, the available evidence is currently insufficient to determine the role of this variant in disease. Therefore, it has been classified as a Variant of Uncertain Significance.